The following is an entry in ClinVar:

NM_004369.4(COL6A3):c.7092+26G>A

Gene: COL6A3 (collagen type VI alpha 3 chain; minus strand). Cytogenetic location: 2q37.3.
Variant type: single nucleotide variant.
Coding change: c.7092+26G>A on transcript NM_004369.4 (MANE Select); 26 bases into the intron after coding-DNA position 7092, G replaced by A.
Molecular consequence: intron variant.
Genome position (GRCh38, 1-based): chr2:237,346,477, C>T on the plus strand (G>A on the coding strand, the complement: COL6A3 is on the minus strand). VCF-style: chr2-237346477-C-T. GRCh37 (hg19) VCF-style: chr2-238255120-C-T.
Other names: c.5271+26G>A (NM_057166.5); c.6474+26G>A (NM_057167.4).
Identifiers: ClinVar variation 94979 (VCV000094979.10), dbSNP rs2270656, ClinGen allele CA148018.

ClinVar aggregate classification (germline): Benign. Review status: criteria provided, multiple submitters, no conflicts (2 of 4 stars). 8 submissions from 6 submitters: Benign (8). Last evaluated 2024-07-31.

Conditions:
Dystonia 27 (DYT27). Identifiers: Orphanet 464440, MedGen C4225336, MONDO:0014627, OMIM 616411.
Ullrich congenital muscular dystrophy 1A. Also called: Ullrich congenital muscular dystrophy 1; Intermediate COL6-RD. Identifiers: Orphanet 75840, MedGen C0410179, MONDO:0009681, OMIM 254090.
Bethlem myopathy 1A. Also called: Bethlem myopathy 1; Bethlem Muscular Dystrophy; MYOPATHY, BENIGN CONGENITAL, WITH CONTRACTURES. Identifiers: Orphanet 610, MedGen CN029274, MONDO:0024530, OMIM 158810.

Allele frequency attached by ClinVar (database versions not stated): gnomAD exomes 0.12901; ESP Exome Variant Server 0.18945; gnomAD 0.18912 and 0.19247; 1000 Genomes Project 0.20268; TOPMed 0.20071; 1000 Genomes Project 30x 0.21159.
gnomAD v4.1: 217,069 of 1,606,726 alleles (14%); highest among the groups gnomAD compares: African/African-American, 34%; 17,190 homozygotes.

Submissions (8):

Unidad de Genómica Garrahan, Hospital de Pediatría Garrahan
Classification: Benign. Last evaluated: 2024-07-31. Review status: criteria provided, single submitter. Criteria: ACMG Guidelines, 2015. Collection method: clinical testing. Allele origin: germline. Affected: no. Observed: 33 variant alleles.
Comment: This variant is classified as Benign based on local population frequency. This variant was detected in 35% of patients studied in a panel designed for Epileptic and Developmental Encephalopathy, Progressive Myoclonus Epilepsy and Abnormal Movements and Neurodegeneration with brain iron accumulation. Number of patients: 33. Only high quality variants are reported.

Genome-Nilou Lab
Classification: Benign for Bethlem myopathy 1A. Last evaluated: 2021-07-30. Review status: criteria provided, single submitter. Criteria: ACMG Guidelines, 2015. Collection method: clinical testing. Allele origin: germline. Affected: no.

Genome-Nilou Lab
Classification: Benign for Dystonia 27. Last evaluated: 2021-07-30. Review status: criteria provided, single submitter. Criteria: ACMG Guidelines, 2015. Collection method: clinical testing. Allele origin: germline. Affected: no.

Genome-Nilou Lab
Classification: Benign for Ullrich congenital muscular dystrophy 1A. Last evaluated: 2021-07-30. Review status: criteria provided, single submitter. Criteria: ACMG Guidelines, 2015. Collection method: clinical testing. Allele origin: germline. Affected: no.

GeneDx
Classification: Benign. Last evaluated: 2018-06-16. Review status: criteria provided, single submitter. Criteria: GeneDx Variant Classification (06012015). Collection method: clinical testing. Allele origin: germline. Affected: yes.
Comment: This variant is considered likely benign or benign based on one or more of the following criteria: it is a conservative change, it occurs at a poorly conserved position in the protein, it is predicted to be benign by multiple in silico algorithms, and/or has population frequency not consistent with disease.

Eurofins Ntd Llc (ga)
Classification: Benign. Last evaluated: 2012-11-05. Review status: criteria provided, single submitter. Criteria: EGL Classification Definitions 2015. Collection method: clinical testing. Allele origin: germline. Observed: 19 variant alleles, 16 heterozygotes, 3 homozygotes.

Breakthrough Genomics
Classification: Benign. Review status: criteria provided, single submitter. Criteria: ACMG Guidelines, 2015. Collection method: not provided. Allele origin: germline. Inheritance: Autosomal recessive inheritance. Affected: yes.

PreventionGenetics, part of Exact Sciences
Classification: Benign. Review status: criteria provided, single submitter. Criteria: ACMG Guidelines, 2015. Collection method: clinical testing. Allele origin: germline.